The following is an entry in ClinVar:

NM_001358291.2(RMI1):c.850A>G (p.Ser284Gly)

Gene: RMI1 (RecQ mediated genome instability 1; plus strand). Cytogenetic location: 9q21.32.
Variant type: single nucleotide variant.
Coding change: c.850A>G on transcript NM_001358291.2 (MANE Select); coding-DNA position 850, A replaced by G.
Protein change: p.Ser284Gly; replaces serine 284 with glycine.
Molecular consequence: missense variant.
Genome position (GRCh38, 1-based): chr9:84,001,836, A>G. VCF-style: chr9-84001836-A-G. GRCh37 (hg19) VCF-style: chr9-86616751-A-G.
Other names: c.850A>G, p.Ser284Gly (NM_001358292.2, NM_001358293.2, NM_001358294.2 and 1 more transcripts); short protein forms S284G.
Identifiers: ClinVar variation 3043337 (VCV003043337.2), dbSNP rs376405353, ClinGen allele CA5104498.

ClinVar aggregate classification (germline): Benign (0 of 4 stars; one submission).

Conditions:
RMI1-related disorder. Also called: RMI1-related condition.

Allele frequency attached by ClinVar (database versions not stated): TOPMed 0.00011; gnomAD 0.00043; gnomAD exomes 0.00064; ExAC 0.00146; 1000 Genomes Project 30x 0.00312; 1000 Genomes Project 0.00339.
gnomAD v4.1: 1,006 of 1,614,068 alleles (0.062%); highest among the groups gnomAD compares: South Asian, 1%; 8 homozygotes.

Submission:

PreventionGenetics, part of Exact Sciences
Classification: Benign for RMI1-related condition. Last evaluated: 2019-06-30. Review status: no assertion criteria provided. Collection method: clinical testing. Allele origin: germline.
Comment: This variant is classified as benign based on ACMG/AMP sequence variant interpretation guidelines (Richards et al. 2015 PMID: 25741868, with internal and published modifications).